The following is an entry in ClinVar:

ClinVar aggregate classification (germline): Uncertain significance (1 of 4 stars; one submission).

Allele frequency attached by ClinVar (database versions not stated): ExAC 0.00001; gnomAD 0.00002; TOPMed 0.00002.
gnomAD v4.1: 15 of 1,613,986 alleles (0.00093%); highest among the groups gnomAD compares: African/African-American, 0.0013%; no homozygotes.

Submission:

Labcorp Genetics (formerly Invitae), Labcorp
Classification: Uncertain significance. Last evaluated: 2025-10-05. Review status: criteria provided, single submitter. Criteria: Invitae Variant Classification Sherloc (09022015). Collection method: clinical testing. Allele origin: germline.
Comment: This sequence change replaces glutamine, which is neutral and polar, with arginine, which is basic and polar, at codon 415 of the GHR protein (p.Gln415Arg). This variant is present in population databases (rs749926367, gnomAD 0.002%). This variant has not been reported in the literature in individuals affected with GHR-related conditions. ClinVar contains an entry for this variant (Variation ID: 2189929). Invitae Evidence Modeling of protein sequence and biophysical properties (such as structural, functional, and spatial information, amino acid conservation, physicochemical variation, residue mobility, and thermodynamic stability) indicates that this missense variant is not expected to disrupt GHR protein function with a negative predictive value of 80%. In summary, the available evidence is currently insufficient to determine the role of this variant in disease. Therefore, it has been classified as a Variant of Uncertain Significance.

NM_000163.5(GHR):c.1244A>G (p.Gln415Arg)

Gene: GHR (growth hormone receptor; plus strand). Cytogenetic location: 5p12.
Variant type: single nucleotide variant.
Coding change: c.1244A>G on transcript NM_000163.5 (MANE Select); coding-DNA position 1244, A replaced by G.
Protein change: p.Gln415Arg; replaces glutamine 415 with arginine.
Molecular consequence: missense variant. On other transcripts: 3 prime UTR variant (1).
Genome position (GRCh38, 1-based): chr5:42,718,751, A>G. VCF-style: chr5-42718751-A-G. GRCh37 (hg19) VCF-style: chr5-42718853-A-G.
Other names: c.1265A>G, p.Gln422Arg (NM_001242399.2); c.1244A>G, p.Gln415Arg (NM_001242400.2, NM_001242401.4, NM_001242402.2 and 4 more transcripts); c.1178A>G, p.Gln393Arg (NM_001242460.2); c.*286A>G (NM_001242462.1); short protein forms Q393R, Q415R, Q422R.
Identifiers: ClinVar variation 2189929 (VCV002189929.3), dbSNP rs749926367, ClinGen allele CA3254624.